The following is an entry in ClinVar:

ClinVar aggregate classification (germline): Uncertain significance (1 of 4 stars; one submission).

Conditions:
Charcot-Marie-Tooth disease axonal type 2S. Also called: CHARCOT-MARIE-TOOTH DISEASE, AXONAL, AUTOSOMAL RECESSIVE, TYPE 2S; CHARCOT-MARIE-TOOTH NEUROPATHY, TYPE 2S. Identifiers: Orphanet 443073, MedGen C4015349, MONDO:0014511, OMIM 616155.
Autosomal recessive distal spinal muscular atrophy 1. Also called: SEVERE INFANTILE AXONAL NEUROPATHY WITH RESPIRATORY FAILURE; SPINAL MUSCULAR ATROPHY, DIAPHRAGMATIC; NEURONOPATHY, DISTAL HEREDITARY MOTOR, HARDING TYPE VI; NEUROPATHY, DISTAL HEREDITARY MOTOR, AUTOSOMAL RECESSIVE 1; HMN VI; Spinal muscular atrophy with respiratory distress 1. Identifiers: Orphanet 98920, MedGen C1858517, MONDO:0011436, OMIM 604320.

Allele frequency attached by ClinVar (database versions not stated): gnomAD exomes below 0.00001 and 0.00002; ExAC 0.00001; gnomAD 0.00002; TOPMed 0.00006.

Submission:

Labcorp Genetics (formerly Invitae), Labcorp
Classification: Uncertain significance for Autosomal recessive distal spinal muscular atrophy 1; Charcot-Marie-Tooth disease axonal type 2S. Last evaluated: 2021-12-22. Review status: criteria provided, single submitter. Criteria: Invitae Variant Classification Sherloc (09022015). Collection method: clinical testing. Allele origin: germline.
Comment: This sequence change replaces asparagine, which is neutral and polar, with serine, which is neutral and polar, at codon 81 of the IGHMBP2 protein (p.Asn81Ser). This variant is present in population databases (rs757006949, gnomAD 0.01%). This variant has not been reported in the literature in individuals affected with IGHMBP2-related conditions. ClinVar contains an entry for this variant (Variation ID: 999840). Advanced modeling of protein sequence and biophysical properties (such as structural, functional, and spatial information, amino acid conservation, physicochemical variation, residue mobility, and thermodynamic stability) performed at Invitae indicates that this missense variant is not expected to disrupt IGHMBP2 protein function. In summary, the available evidence is currently insufficient to determine the role of this variant in disease. Therefore, it has been classified as a Variant of Uncertain Significance.

NM_002180.3(IGHMBP2):c.242A>G (p.Asn81Ser)

Gene: IGHMBP2 (immunoglobulin mu DNA binding protein 2; plus strand). Cytogenetic location: 11q13.3.
Variant type: single nucleotide variant.
Coding change: c.242A>G on transcript NM_002180.3 (MANE Select); coding-DNA position 242, A replaced by G.
Protein change: p.Asn81Ser; replaces asparagine 81 with serine.
Molecular consequence: missense variant.
Genome position (GRCh38, 1-based): chr11:68,906,224, A>G. VCF-style: chr11-68906224-A-G. GRCh37 (hg19) VCF-style: chr11-68673692-A-G.
Other names: short protein forms N81S.
Identifiers: ClinVar variation 999840 (VCV000999840.4), dbSNP rs757006949, ClinGen allele CA6153223.